The following is an entry in ClinVar:

NM_001295.3(CCR1):c.438C>T (p.Thr146=)

Gene: CCR1 (C-C motif chemokine receptor 1; minus strand). Cytogenetic location: 3p21.31.
Variant type: single nucleotide variant.
Coding change: c.438C>T on transcript NM_001295.3 (MANE Select); coding-DNA position 438, C replaced by T.
Protein change: p.Thr146=; no amino-acid change (threonine 146 retained).
Molecular consequence: synonymous variant.
Genome position (GRCh38, 1-based): chr3:46,203,876, G>A on the plus strand (C>T on the coding strand, the complement: CCR1 is on the minus strand). VCF-style: chr3-46203876-G-A. GRCh37 (hg19) VCF-style: chr3-46245367-G-A.
Identifiers: ClinVar variation 719418 (VCV000719418.5), dbSNP rs146268408, ClinGen allele CA2353928.

ClinVar aggregate classification (germline): Likely benign. Review status: criteria provided, multiple submitters, no conflicts (2 of 4 stars). 2 submissions from 2 submitters: Likely benign (2). Last evaluated 2026-05-01.

Allele frequency attached by ClinVar (database versions not stated): ExAC 0.00049; gnomAD exomes 0.00053 and 0.00098; TOPMed 0.00057; gnomAD 0.00065 and 0.00068; ESP Exome Variant Server 0.00100; 1000 Genomes Project 0.00020; 1000 Genomes Project 30x 0.00047.
gnomAD v4.1: 1,548 of 1,614,170 alleles (0.096%); highest among the groups gnomAD compares: Non-Finnish European, 0.12%; 5 homozygotes.

Submissions (2):

CeGaT Center for Human Genetics Tuebingen
Classification: Likely benign. Last evaluated: 2026-05-01. Review status: criteria provided, single submitter. Criteria: CeGaT Center For Human Genetics Tuebingen Variant Classification Criteria Version 2. Collection method: clinical testing. Allele origin: germline. Affected: yes. Observed: 1 variant allele.
Comment: CCR1: BP4, BP7

Labcorp Genetics (formerly Invitae), Labcorp
Classification: Likely benign. Last evaluated: 2018-07-20. Review status: criteria provided, single submitter. Criteria: Invitae Variant Classification Sherloc (09022015). Collection method: clinical testing. Allele origin: germline.